The following is an entry in ClinVar:

NM_006593.4(TBR1):c.761T>C (p.Val254Ala)

Gene: TBR1 (T-box brain transcription factor 1; plus strand). Cytogenetic location: 2q24.2.
Variant type: single nucleotide variant.
Coding change: c.761T>C on transcript NM_006593.4 (MANE Select); coding-DNA position 761, T replaced by C.
Protein change: p.Val254Ala; replaces valine 254 with alanine.
Molecular consequence: missense variant.
Genome position (GRCh38, 1-based): chr2:161,417,744, T>C. VCF-style: chr2-161417744-T-C. GRCh37 (hg19) VCF-style: chr2-162274255-T-C.
Other names: short protein forms V254A.
Identifiers: ClinVar variation 1712570 (VCV001712570.2), dbSNP rs2468091744, ClinGen allele CA349212146.
Genomic context (GRCh38, chr2:161,417,744, plus strand): 5'-TTCCTTTTTTAAGTTTTAACATTTCTGGTCTCGATCCCACGGCTCATTACAATATTTTTG[T>C]GGATGTGATTTTGGCGGATCCCAATCACTGGAGGTTTCAAGGAGGCAAATGGGTTCCTTG-3'
Protein context (NP_006584.1, residues 244-264): LDPTAHYNIF[Val254Ala]DVILADPNHW

ClinVar aggregate classification (germline): Uncertain significance (1 of 4 stars; one submission).

Submission:

GeneDx
Classification: Uncertain significance. Last evaluated: 2022-04-29. Review status: criteria provided, single submitter. Criteria: GeneDx Variant Classification Process June 2021. Collection method: clinical testing. Allele origin: germline. Affected: yes.
Comment: Not observed at significant frequency in large population cohorts (gnomAD); In silico analysis supports that this missense variant has a deleterious effect on protein structure/function; Has not been previously published as pathogenic or benign to our knowledge